The following is an entry in ClinVar:

ClinVar aggregate classification (germline): Uncertain significance (1 of 4 stars; one submission).

gnomAD v4.1: 4 of 1,614,052 alleles (0.00025%); highest among the groups gnomAD compares: Non-Finnish European, 0.00034%; no homozygotes.

Submission:

Labcorp Genetics (formerly Invitae), Labcorp
Classification: Uncertain significance. Last evaluated: 2024-04-30. Review status: criteria provided, single submitter. Criteria: Invitae Variant Classification Sherloc (09022015). Collection method: clinical testing. Allele origin: germline.
Comment: This sequence change replaces leucine, which is neutral and non-polar, with phenylalanine, which is neutral and non-polar, at codon 333 of the NYNRIN protein (p.Leu333Phe). This variant is not present in population databases (gnomAD no frequency). This variant has not been reported in the literature in individuals affected with NYNRIN-related conditions. Experimental studies and prediction algorithms are not available or were not evaluated, and the functional significance of this variant is currently unknown. In summary, the available evidence is currently insufficient to determine the role of this variant in disease. Therefore, it has been classified as a Variant of Uncertain Significance.

NM_025081.3(NYNRIN):c.997C>T (p.Leu333Phe)

Gene: NYNRIN (NYN domain and retroviral integrase containing; plus strand). Cytogenetic location: 14q12.
Variant type: single nucleotide variant.
Coding change: c.997C>T on transcript NM_025081.3 (MANE Select); coding-DNA position 997, C replaced by T.
Protein change: p.Leu333Phe; replaces leucine 333 with phenylalanine.
Molecular consequence: missense variant.
Genome position (GRCh38, 1-based): chr14:24,408,791, C>T. VCF-style: chr14-24408791-C-T. GRCh37 (hg19) VCF-style: chr14-24877997-C-T.
Other names: short protein forms L333F.
Identifiers: ClinVar variation 3651613 (VCV003651613.2).